The following is an entry in ClinVar:

ClinVar aggregate classification (germline): Likely benign. Review status: criteria provided, single submitter (1 of 4 stars). 2 submissions from 2 submitters: Likely benign (1). 1 of the submissions does not count toward it. Last evaluated 2026-03-01.

Conditions:
KMT2C-related disorder. Also called: KMT2C-related condition; KMT2C-related disorders.

Submissions (2):

CeGaT Center for Human Genetics Tuebingen
Classification: Likely benign. Last evaluated: 2026-03-01. Review status: criteria provided, single submitter. Criteria: CeGaT Center For Human Genetics Tuebingen Variant Classification Criteria Version 2. Collection method: clinical testing. Allele origin: germline. Affected: yes. Observed: 2 variant alleles.
Comment: KMT2C: BP4, BS1

PreventionGenetics, part of Exact Sciences
Classification: Likely benign for KMT2C-related condition. Last evaluated: 2020-10-10. Review status: no assertion criteria provided. Collection method: clinical testing. Allele origin: germline. Not counted in ClinVar's aggregate classification.
Comment: This variant is classified as likely benign based on ACMG/AMP sequence variant interpretation guidelines (Richards et al. 2015 PMID: 25741868, with internal and published modifications).

NM_170606.3(KMT2C):c.7443-15_7443-6del

Gene: KMT2C (lysine methyltransferase 2C; minus strand). Cytogenetic location: 7q36.1.
Variant type: Deletion.
Coding change: c.7443-15_7443-6del on transcript NM_170606.3 (MANE Select); 15 bases into the intron before coding-DNA position 7443 through 6 bases into the intron before coding-DNA position 7443, 10 bases deleted (TTTTTTTTTT; older notation c.7443-15_7443-6delTTTTTTTTTT).
Molecular consequence: intron variant.
Genome position (GRCh38, 1-based): chr7:152,178,016-152,178,025, AAAAAAAAAA deleted on the plus strand (TTTTTTTTTT on the coding strand, the reverse complement: KMT2C is on the minus strand); deleting any 10 consecutive bases within chr7:152,178,016-152,178,042 gives the same sequence; the c. name uses the placement nearest the transcript's 3' end. VCF-style (leftmost placement, unchanged base first): chr7-152178015-TAAAAAAAAAA-T. GRCh37 (hg19) VCF-style: chr7-151875100-TAAAAAAAAAA-T.
Identifiers: ClinVar variation 3036524 (VCV003036524.9), dbSNP rs746018833, ClinGen allele CA835337193.
Genomic context (GRCh38, chr7:152,178,015, plus strand): 5'-CAAGGAAGCGCTCTTGACTCGGCATGGTACCATGACTACCTCCTGGAAATCCAAATCTTT[TAAAAAAAAAA>T]AAAAAAAAAAAAAAAAAGCAAATAGGTATTATGTTAAATTTAGAGTTAAGTTGAAAAAAA-3'